The following is an entry in ClinVar:

ClinVar aggregate classification (germline): Uncertain significance (1 of 4 stars; one submission).

Conditions:
Tuberous sclerosis syndrome (TSC). Also called: Tuberous sclerosis; Tuberous Sclerosis Complex. Identifiers: Orphanet 805, MedGen C0041341, MONDO:0001734.

Allele frequency attached by ClinVar (database versions not stated): gnomAD exomes below 0.00001.
gnomAD v4.1: 1 of 1,614,070 alleles (0.000062%); highest among the groups gnomAD compares: Non-Finnish European, 0.000085%; no homozygotes.

Submission:

All of Us Research Program, National Institutes of Health
Classification: Uncertain significance for Tuberous sclerosis syndrome. Last evaluated: 2023-05-30. Review status: criteria provided, single submitter. Criteria: ACMG Guidelines, 2015. Collection method: clinical testing. Allele origin: germline. Inheritance: Autosomal dominant inheritance. Observed: 1 variant allele, 1 heterozygote.
Comment: This missense variant replaces alanine with valine at codon 57 of the TSC1 protein. Computational prediction suggests that this variant may not impact protein structure and function (internally defined REVEL score threshold <= 0.5, PMID: 27666373). To our knowledge, functional studies have not been reported for this variant. This variant has not been reported in individuals affected with TSC1-related disorders in the literature. This variant has not been identified in the general population by the Genome Aggregation Database (gnomAD). The available evidence is insufficient to determine the role of this variant in disease conclusively. Therefore, this variant is classified as a Variant of Uncertain Significance.

This study involves interpretation of variants in research participants for the purpose of population health screening. Participant phenotype was not available at the time of variant classification. Additional details can be found in publication PMID: 35346344, PMCID: PMC8962531

NM_000368.5(TSC1):c.170C>T (p.Ala57Val)

Gene: TSC1 (TSC complex subunit 1; minus strand). Cytogenetic location: 9q34.13.
Variant type: single nucleotide variant.
Coding change: c.170C>T on transcript NM_000368.5 (MANE Select); coding-DNA position 170, C replaced by T.
Protein change: p.Ala57Val; replaces alanine 57 with valine.
Molecular consequence: missense variant. On other transcripts: 5 prime UTR variant (9), non-coding transcript variant (4), intron variant (9).
Genome position (GRCh38, 1-based): chr9:132,927,241, G>A on the plus strand (C>T on the coding strand, the complement: TSC1 is on the minus strand). VCF-style: chr9-132927241-G-A. GRCh37 (hg19) VCF-style: chr9-135802628-G-A.
Other names: c.170C>T, p.Ala57Val (NM_001162426.2, NM_001162427.2, NM_001406592.1 and 21 more transcripts); c.-319C>T (NM_001406615.1, NM_001406623.1); c.-286C>T (NM_001406616.1, NM_001406624.1); c.-708C>T (NM_001406626.1, NM_001406627.1, NM_001406628.1); c.-850C>T (NM_001406629.1); c.-924C>T (NM_001406630.1); c.-153-1502C>T (NM_001406620.1, NM_001406618.1, NM_001406625.1 and 5 more transcripts); c.-245-1502C>T (NM_001406614.1); short protein forms A57V.
Identifiers: ClinVar variation 3075532 (VCV003075532.1), dbSNP rs1846920951, ClinGen allele CA375375104.